The following is an entry in ClinVar:

ClinVar aggregate classification (germline): Uncertain significance (1 of 4 stars; one submission).

Conditions:
Inborn genetic diseases. Identifiers: MedGen C0950123, MeSH D030342.

Submission:

Ambry Genetics
Classification: Uncertain significance for Inborn genetic diseases. Last evaluated: 2022-10-30. Review status: criteria provided, single submitter. Criteria: Ambry Variant Classification Scheme 2023. Collection method: clinical testing. Allele origin: germline.
Comment: The p.Q58R variant (also known as c.173A>G), located in coding exon 2 of the BUB1B gene, results from an A to G substitution at nucleotide position 173. The glutamine at codon 58 is replaced by arginine, an amino acid with highly similar properties. This amino acid position is conserved. In addition, this alteration is predicted to be tolerated by in silico analysis. Since supporting evidence is limited at this time, the clinical significance of this alteration remains unclear.

NM_001211.6(BUB1B):c.173A>G (p.Gln58Arg)

Gene: BUB1B (BUB1 mitotic checkpoint serine/threonine kinase B; plus strand). Cytogenetic location: 15q15.1.
Variant type: single nucleotide variant.
Coding change: c.173A>G on transcript NM_001211.6 (MANE Select); coding-DNA position 173, A replaced by G.
Protein change: p.Gln58Arg; replaces glutamine 58 with arginine.
Molecular consequence: missense variant.
Genome position (GRCh38, 1-based): chr15:40,165,190, A>G. VCF-style: chr15-40165190-A-G. GRCh37 (hg19) VCF-style: chr15-40457391-A-G.
Other names: short protein forms Q58R.
Identifiers: ClinVar variation 1779152 (VCV001779152.2), dbSNP rs2542508865, ClinGen allele CA391677341.